The following is an entry in ClinVar:

ClinVar aggregate classification (germline): Uncertain significance (1 of 4 stars; one submission).

Conditions:
Hereditary cancer-predisposing syndrome. Also called: Hereditary neoplastic syndrome; Neoplastic Syndromes, Hereditary; Tumor predisposition; Hereditary Cancer Syndrome. Identifiers: Orphanet 140162, MedGen C0027672, MeSH D009386, MONDO:0015356.

Submission:

Ambry Genetics
Classification: Uncertain significance for Hereditary cancer-predisposing syndrome. Last evaluated: 2021-06-05. Review status: criteria provided, single submitter. Criteria: Ambry Variant Classification Scheme 2023. Collection method: clinical testing. Allele origin: germline.
Comment: The p.M2026V variant (also known as c.6076A>G), located in coding exon 40 of the ATM gene, results from an A to G substitution at nucleotide position 6076. The methionine at codon 2026 is replaced by valine, an amino acid with highly similar properties. This amino acid position is not well conserved in available vertebrate species. In addition, this alteration is predicted to be tolerated by in silico analysis. Since supporting evidence is limited at this time, the clinical significance of this alteration remains unclear.

NM_000051.4(ATM):c.6076A>G (p.Met2026Val)

Genes: ATM (ATM serine/threonine kinase; plus strand), C11orf65 (chromosome 11 open reading frame 65; minus strand). Cytogenetic location: 11q22.3.
Variant type: single nucleotide variant.
Coding change: c.6076A>G on transcript NM_000051.4 (MANE Select); coding-DNA position 6076, A replaced by G.
Protein change: p.Met2026Val; replaces methionine 2026 with valine.
Molecular consequence: missense variant. On other transcripts: intron variant (2).
Genome position (GRCh38, 1-based): chr11:108,315,892, A>G. VCF-style: chr11-108315892-A-G. GRCh37 (hg19) VCF-style: chr11-108186619-A-G.
Other names: c.6076A>G, p.Met2026Val (NM_001351834.2); c.641-6821T>C (NM_001330368.2); c.*39-6821T>C (NM_001351110.2); short protein forms M2026V.
Identifiers: ClinVar variation 1751414 (VCV001751414.2), dbSNP rs2136121051, ClinGen allele CA382550122.
Genomic context (GRCh38, chr11:108,315,892, plus strand): 5'-TTAGAAATCTACAGAAGTATAGGGGAGCCAGATAGTTTGTATGGCTGTGGTGGAGGGAAG[A>G]TGTTACAACCCATTACTAGGTAAATTGCATTTTTCTAAACAACGGTATAGTAATTCTGTT-3'
Protein context (NP_000042.3, residues 2016-2036): DSLYGCGGGK[Met2026Val]LQPITRLRTY